The following is an entry in ClinVar:

ClinVar aggregate classification (germline): Uncertain significance (1 of 4 stars; one submission).

Submission:

Labcorp Genetics (formerly Invitae), Labcorp
Classification: Uncertain significance. Last evaluated: 2025-07-06. Review status: criteria provided, single submitter. Criteria: Invitae Variant Classification Sherloc (09022015). Collection method: clinical testing. Allele origin: germline.
Comment: This sequence change replaces leucine, which is neutral and non-polar, with valine, which is neutral and non-polar, at codon 44 of the HNF1A protein (p.Leu44Val). This variant is not present in population databases (gnomAD no frequency). This variant has not been reported in the literature in individuals affected with HNF1A-related conditions. Invitae Evidence Modeling of protein sequence and biophysical properties (such as structural, functional, and spatial information, amino acid conservation, physicochemical variation, residue mobility, and thermodynamic stability) indicates that this missense variant is not expected to disrupt HNF1A protein function with a negative predictive value of 80%. In summary, the available evidence is currently insufficient to determine the role of this variant in disease. Therefore, it has been classified as a Variant of Uncertain Significance.

NM_000545.8(HNF1A):c.130C>G (p.Leu44Val)

Gene: HNF1A (HNF1 homeobox A; plus strand). Cytogenetic location: 12q24.31.
Variant type: single nucleotide variant.
Coding change: c.130C>G on transcript NM_000545.8 (MANE Select); coding-DNA position 130, C replaced by G.
Protein change: p.Leu44Val; replaces leucine 44 with valine.
Molecular consequence: missense variant.
Genome position (GRCh38, 1-based): chr12:120,978,898, C>G. VCF-style: chr12-120978898-C-G. GRCh37 (hg19) VCF-style: chr12-121416701-C-G.
Other names: c.130C>G, p.Leu44Val (NM_001306179.2, NM_001406915.1); short protein forms L44V.
Identifiers: ClinVar variation 4744962 (VCV004744962.1).
Genomic context (GRCh38, chr12:120,978,898, plus strand): 5'-GAGGCACTGATCCAGGCACTGGGTGAGCCGGGGCCCTACCTCCTGGCTGGAGAAGGCCCC[C>G]TGGACAAGGGGGAGTCCTGCGGCGGCGGTCGAGGGGAGCTGGCTGAGCTGCCCAATGGGC-3'
Protein context (NP_000536.6, residues 34-54): GPYLLAGEGP[Leu44Val]DKGESCGGGR